The following is an entry in ClinVar:

NM_004004.6(GJB2):c.548C>T (p.Ser183Phe)

Gene: GJB2 (gap junction protein beta 2; minus strand). Cytogenetic location: 13q12.11.
Variant type: single nucleotide variant.
Coding change: c.548C>T on transcript NM_004004.6 (MANE Select); coding-DNA position 548, C replaced by T.
Protein change: p.Ser183Phe; replaces serine 183 with phenylalanine.
Molecular consequence: missense variant.
Genome position (GRCh38, 1-based): chr13:20,189,034, G>A on the plus strand (C>T on the coding strand, the complement: GJB2 is on the minus strand). VCF-style: chr13-20189034-G-A. GRCh37 (hg19) VCF-style: chr13-20763173-G-A.
Other names: short protein forms S183F.
Identifiers: ClinVar variation 2429675 (VCV002429675.2), dbSNP rs2500249666, ClinGen allele CA387460920.

ClinVar aggregate classification (germline): Likely pathogenic (1 of 4 stars; one submission).

Submission:

GeneDx
Classification: Likely pathogenic. Last evaluated: 2023-11-15. Review status: criteria provided, single submitter. Criteria: GeneDx Variant Classification Process June 2021. Collection method: clinical testing. Allele origin: germline. Affected: yes.
Comment: Identified in a parent and child with palmoplantar keratoderma and sensorineural hearing loss in published literature (PMID: 18787097); Published functional studies demonstrate a dominant negative effect due to the formation of non-functional gap junctions with wild-type connexin 26, as well as a gain-of-function effect due to the ability to intermix with connexin 30 and connexin 43 (PMID: 28428247, 26763442, 32300592); Not observed at significant frequency in large population cohorts (gnomAD); In silico analysis supports that this missense variant has a deleterious effect on protein structure/function; This variant is associated with the following publications: (PMID: 33466560, 24975403, 18787097, 26763442, 28428247, 21933662, 32300592, 22547955, 21484990, 25388846, 35938034)